The following is an entry in ClinVar:

NM_001429.4(EP300):c.45dup (p.Pro16fs)

Genes: EP300 (E1A binding protein p300; plus strand), LOC130067530 (ATAC-STARR-seq lymphoblastoid active region 19106; plus strand). Cytogenetic location: 22q13.2.
Variant type: Duplication.
Coding change: c.45dup on transcript NM_001429.4 (MANE Select); coding-DNA position 45, one base duplicated (G; older notation c.45dupG).
Protein change: p.Pro16fs; shifts the reading frame from proline 16.
Molecular consequence: frameshift variant.
Genome position (GRCh38, 1-based): chr22:41,093,049, G duplicated; the last of 2 consecutive G bases (chr22:41,093,048-41,093,049); duplicating either gives the same sequence. VCF-style (leftmost placement, unchanged base first): chr22-41093047-C-CG. GRCh37 (hg19) VCF-style: chr22-41489051-C-CG.
Other names: c.45dup, p.Pro16fs (NM_001362843.2); short protein forms P16fs.
Identifiers: ClinVar variation 3349960 (VCV003349960.1).

ClinVar aggregate classification (germline): Likely pathogenic (0 of 4 stars; one submission).

Conditions:
EP300-related disorder. Also called: EP300-related condition; EP300-related disorders.

Submission:

PreventionGenetics, part of Exact Sciences
Classification: Likely pathogenic for EP300-related condition. Last evaluated: 2024-03-27. Review status: no assertion criteria provided. Collection method: clinical testing. Allele origin: germline.
Comment: The EP300 c.45dupG variant is predicted to result in a frameshift and premature protein termination (p.Pro16Alafs*2). To our knowledge, this variant has not been reported in the literature or in a large population database, indicating this variant is rare. Frameshift variants in EP300 are expected to be pathogenic. This variant is interpreted as likely pathogenic.